The following is an entry in ClinVar:

NM_018133.4(MSL2):c.163A>G (p.Ile55Val)

Gene: MSL2 (MSL complex subunit 2; minus strand). Cytogenetic location: 3q22.3.
Variant type: single nucleotide variant.
Coding change: c.163A>G on transcript NM_018133.4 (MANE Select); coding-DNA position 163, A replaced by G.
Protein change: p.Ile55Val; replaces isoleucine 55 with valine.
Molecular consequence: missense variant. On other transcripts: 5 prime UTR variant (1).
Genome position (GRCh38, 1-based): chr3:136,152,718, T>C on the plus strand (A>G on the coding strand, the complement: MSL2 is on the minus strand). VCF-style: chr3-136152718-T-C. GRCh37 (hg19) VCF-style: chr3-135871560-T-C.
Other names: c.-60A>G (NM_001145417.2); short protein forms I55V.
Identifiers: ClinVar variation 2217012 (VCV002217012.4), dbSNP rs149929074, ClinGen allele CA2631449.

ClinVar aggregate classification (germline): Conflicting classifications of pathogenicity. Review status: criteria provided, conflicting classifications (1 of 4 stars). 2 submissions from 2 submitters: Uncertain significance (1); Likely benign (1). Last evaluated 2026-04-01.

Allele frequency attached by ClinVar (database versions not stated): TOPMed 0.00007; ExAC 0.00009; gnomAD 0.00010; ESP Exome Variant Server 0.00015; gnomAD exomes 0.00026.
gnomAD v4.1: 382 of 1,613,690 alleles (0.024%); highest among the groups gnomAD compares: Non-Finnish European, 0.031%; no homozygotes.

Submissions (2):

CeGaT Center for Human Genetics Tuebingen
Classification: Likely benign. Last evaluated: 2026-04-01. Review status: criteria provided, single submitter. Criteria: CeGaT Center For Human Genetics Tuebingen Variant Classification Criteria Version 2. Collection method: clinical testing. Allele origin: germline. Affected: yes. Observed: 1 variant allele.
Comment: MSL2: BP4, BS2

Ambry Genetics
Classification: Uncertain significance. Last evaluated: 2022-08-17. Review status: criteria provided, single submitter. Criteria: Ambry Variant Classification Scheme 2023. Collection method: clinical testing. Allele origin: germline.